The following is an entry in ClinVar:

ClinVar aggregate classification (germline): Uncertain significance (1 of 4 stars; one submission).

Submission:

GeneDx
Classification: Uncertain significance. Last evaluated: 2023-11-18. Review status: criteria provided, single submitter. Criteria: GeneDx Variant Classification Process June 2021. Collection method: clinical testing. Allele origin: germline. Affected: yes.
Comment: Not observed at significant frequency in large population cohorts (gnomAD); In silico analysis supports that this missense variant has a deleterious effect on protein structure/function; Has not been previously published as pathogenic or benign to our knowledge

NM_012330.4(KAT6B):c.2592C>A (p.His864Gln)

Gene: KAT6B (lysine acetyltransferase 6B; plus strand). Cytogenetic location: 10q22.2.
Variant type: single nucleotide variant.
Coding change: c.2592C>A on transcript NM_012330.4 (MANE Select); coding-DNA position 2592, C replaced by A.
Protein change: p.His864Gln; replaces histidine 864 with glutamine.
Molecular consequence: missense variant.
Genome position (GRCh38, 1-based): chr10:74,989,075, C>A. VCF-style: chr10-74989075-C-A. GRCh37 (hg19) VCF-style: chr10-76748833-C-A.
Other names: c.2043C>A, p.His681Gln (NM_001256468.2, NM_001370138.1); c.1716C>A, p.His572Gln (NM_001256469.2, NM_001370139.1, NM_001370140.1 and 2 more transcripts); c.1554C>A, p.His518Gln (NM_001370132.1); c.903C>A, p.His301Gln (NM_001370133.1); c.507C>A, p.His169Gln (NM_001370134.1); c.249C>A, p.His83Gln (NM_001370135.1); c.2592C>A, p.His864Gln (NM_001370136.1, NM_001370137.1); c.1527C>A, p.His509Gln (NM_001370143.1, NM_001370144.1); short protein forms H169Q, H301Q, H509Q, H518Q, H572Q, H681Q, H83Q, H864Q.
Identifiers: ClinVar variation 3364412 (VCV003364412.1).
Genomic context (GRCh38, chr10:74,989,075, plus strand): 5'-TCAGGAAAAGCTTTGCCAGCAGAAGTATAATGTCTCCTGCATAATGATCATGCCCCAGCA[C>A]CAAAGGCAAGGATTTGGACGGTTTCTCATTGATTTCAGTAAGTGAAGTACTTTATTTACT-3'
Protein context (NP_036462.2, residues 854-874): NVSCIMIMPQ[His864Gln]QRQGFGRFLI